The following is an entry in ClinVar:

NM_020247.5(COQ8A):c.11T>A (p.Ile4Lys)

Gene: COQ8A (coenzyme Q8A; plus strand). Cytogenetic location: 1q42.13.
Variant type: single nucleotide variant.
Coding change: c.11T>A on transcript NM_020247.5 (MANE Select); coding-DNA position 11, T replaced by A.
Protein change: p.Ile4Lys; replaces isoleucine 4 with lysine.
Molecular consequence: missense variant.
Genome position (GRCh38, 1-based): chr1:226,961,396, T>A. VCF-style: chr1-226961396-T-A. GRCh37 (hg19) VCF-style: chr1-227149097-T-A.
Other names: p.I4K:ATA>AAA; short protein forms I4K.
Identifiers: ClinVar variation 214037 (VCV000214037.5), dbSNP rs202075418, ClinGen allele CA324879.

ClinVar aggregate classification (germline): Uncertain significance. Review status: criteria provided, multiple submitters, no conflicts (2 of 4 stars). 3 submissions from 3 submitters: Uncertain significance (3). Last evaluated 2022-10-21.

Allele frequency attached by ClinVar (database versions not stated): TOPMed 0.00006; ExAC 0.00007; gnomAD 0.00007 and 0.00008; gnomAD exomes 0.00007 and 0.00019; ESP Exome Variant Server 0.00008.
gnomAD v4.1: 285 of 1,613,572 alleles (0.018%); highest among the groups gnomAD compares: Non-Finnish European, 0.024%; no homozygotes.

Submissions (3):

Athena Diagnostics
Classification: Uncertain significance. Last evaluated: 2022-10-21. Review status: criteria provided, single submitter. Criteria: Athena Diagnostics Criteria. Collection method: clinical testing. Allele origin: unknown.
Comment: Available data are insufficient to determine the clinical significance of the variant at this time. The frequency of this variant in the general population is uninformative in assessment of its pathogenicity. Computational tools predict that this variant is not damaging.

Labcorp Genetics (formerly Invitae), Labcorp
Classification: Uncertain significance. Last evaluated: 2022-02-28. Review status: criteria provided, single submitter. Criteria: Invitae Variant Classification Sherloc (09022015). Collection method: clinical testing. Allele origin: germline.
Comment: This sequence change replaces isoleucine, which is neutral and non-polar, with lysine, which is basic and polar, at codon 4 of the COQ8A protein (p.Ile4Lys). This variant is present in population databases (rs202075418, gnomAD 0.01%). This missense change has been observed in individual(s) with clinical features of COQ8A-related conditions (PMID: 32337771). ClinVar contains an entry for this variant (Variation ID: 214037). Advanced modeling of protein sequence and biophysical properties (such as structural, functional, and spatial information, amino acid conservation, physicochemical variation, residue mobility, and thermodynamic stability) performed at Invitae indicates that this missense variant is not expected to disrupt COQ8A protein function. In summary, the available evidence is currently insufficient to determine the role of this variant in disease. Therefore, it has been classified as a Variant of Uncertain Significance.

GeneDx
Classification: Uncertain significance. Last evaluated: 2012-05-23. Review status: criteria provided, single submitter. Criteria: GeneDx Variant Classification (06012015). Collection method: clinical testing. Allele origin: germline. Affected: yes.
Comment: p.Ile4Lys (ATA>AAA): c.11 T>A in exon 2 of the ADCK3 gene (NM_020247.4). The I4K missense change has not been published as a mutation, nor has it been reported as a benign polymorphism to our knowledge. The amino acid change is non-conservative in that an uncharged Isoleucine residue is replaced by a positively charged Lysine residue. This change occurs at a position in the ADCK3 protein that is not highly conserved. In-silico analyses are not consistent in their prediction as to whether or not I4K is damaging to the ADCK3 protein. Therefore, based on the currently available information it is unclear whether I4K is a disease-causing mutation or a rare benign variant. The variant is found in MITONUC-MITOP panel(s).

Literature cited by the submitters: PubMed 32337771 (cited by Athena Diagnostics and Labcorp Genetics (formerly Invitae), Labcorp).